The following is an entry in ClinVar:

ClinVar aggregate classification (germline): Uncertain significance. Review status: criteria provided, multiple submitters, no conflicts (2 of 4 stars). 4 submissions from 4 submitters: Uncertain significance (4). Last evaluated 2025-01-10.

Conditions:
Hereditary cancer-predisposing syndrome. Also called: Hereditary Cancer Syndrome; Tumor predisposition; Neoplastic Syndromes, Hereditary; Hereditary neoplastic syndrome. Identifiers: Orphanet 140162, MedGen C0027672, MeSH D009386, MONDO:0015356.
Classic or attenuated familial adenomatous polyposis. Identifiers: MedGen CN372698, MONDO:0021057.
Familial adenomatous polyposis 1 (FAP1). Also called: FAMILIAL ADENOMATOUS POLYPOSIS 1, ATTENUATED; POLYPOSIS, ADENOMATOUS INTESTINAL. Identifiers: MedGen C2713442, MONDO:0021056, OMIM 175100. Disease mechanism: loss of function.

Allele frequency attached by ClinVar (database versions not stated): gnomAD exomes below 0.00001.
gnomAD v4.1: 2 of 1,614,154 alleles (0.00012%); highest among the groups gnomAD compares: East Asian, 0.0045%; no homozygotes.

Submissions (4):

Ambry Genetics
Classification: Uncertain significance for Hereditary cancer-predisposing syndrome. Last evaluated: 2025-01-10. Review status: criteria provided, single submitter. Criteria: Ambry Variant Classification Scheme 2023. Collection method: clinical testing. Allele origin: germline.
Comment: The p.K1456E variant (also known as c.4366A>G), located in coding exon 15 of the APC gene, results from an A to G substitution at nucleotide position 4366. The lysine at codon 1456 is replaced by glutamic acid, an amino acid with similar properties. This amino acid position is conserved. In addition, in silico predictors for this gene do not accurately predict pathogenicity. Based on the available evidence, the clinical significance of this variant remains unclear.

All of Us Research Program, National Institutes of Health
Classification: Uncertain significance for Classic or attenuated familial adenomatous polyposis. Last evaluated: 2023-05-31. Review status: criteria provided, single submitter. Criteria: ACMG Guidelines, 2015. Collection method: clinical testing. Allele origin: germline. Inheritance: Autosomal dominant inheritance. Observed: 1 variant allele, 1 heterozygote.
Comment: This study involves interpretation of variants in research participants for the purpose of population health screening. Participant phenotype was not available at the time of variant classification. Additional details can be found in publication PMID: 35346344, PMCID: PMC8962531

Labcorp Genetics (formerly Invitae), Labcorp
Classification: Uncertain significance for Familial adenomatous polyposis 1. Last evaluated: 2021-02-16. Review status: criteria provided, single submitter. Criteria: Invitae Variant Classification Sherloc (09022015). Collection method: clinical testing. Allele origin: germline.
Comment: In summary, the available evidence is currently insufficient to determine the role of this variant in disease. Therefore, it has been classified as a Variant of Uncertain Significance. Algorithms developed to predict the effect of missense changes on protein structure and function are either unavailable or do not agree on the potential impact of this missense change (SIFT: "Tolerated"; PolyPhen-2: "Possibly Damaging"; Align-GVGD: "Class C0"). This variant has not been reported in the literature in individuals with APC-related conditions. This variant is not present in population databases (ExAC no frequency). This sequence change replaces lysine with glutamic acid at codon 1456 of the APC protein (p.Lys1456Glu). The lysine residue is highly conserved and there is a small physicochemical difference between lysine and glutamic acid.

Quest Diagnostics Nichols Institute San Juan Capistrano
Classification: Uncertain significance. Last evaluated: 2020-10-09. Review status: criteria provided, single submitter. Criteria: Quest Diagnostics criteria. Collection method: clinical testing. Allele origin: unknown.

NM_000038.6(APC):c.4366A>G (p.Lys1456Glu)

Gene: APC (APC regulator of Wnt signaling pathway; plus strand). Cytogenetic location: 5q22.2.
Variant type: single nucleotide variant.
Coding change: c.4366A>G on transcript NM_000038.6 (MANE Select); coding-DNA position 4366, A replaced by G.
Protein change: p.Lys1456Glu; replaces lysine 1456 with glutamic acid.
Molecular consequence: missense variant.
Genome position (GRCh38, 1-based): chr5:112,839,960, A>G. VCF-style: chr5-112839960-A-G. GRCh37 (hg19) VCF-style: chr5-112175657-A-G.
Other names: c.4366A>G, p.Lys1456Glu (NM_001127510.3, NM_001354895.2); c.4312A>G, p.Lys1438Glu (NM_001127511.3); c.4420A>G, p.Lys1474Glu (NM_001354896.2); c.4396A>G, p.Lys1466Glu (NM_001354897.2); c.4291A>G, p.Lys1431Glu (NM_001354898.2); c.4282A>G, p.Lys1428Glu (NM_001354899.2); c.4243A>G, p.Lys1415Glu (NM_001354900.2); c.4189A>G, p.Lys1397Glu (NM_001354901.2); and 5 more; short protein forms K1173E, K1296E, K1330E, K1355E, K1365E, K1397E, K1415E, K1428E.
Identifiers: ClinVar variation 1330008 (VCV001330008.10), dbSNP rs1765664085, ClinGen allele CA16030894.